The following is an entry in ClinVar:

ClinVar aggregate classification (germline): Uncertain significance (1 of 4 stars; one submission).

Allele frequency attached by ClinVar (database versions not stated): TOPMed below 0.00001; ExAC 0.00003.
gnomAD v4.1: 9 of 1,612,414 alleles (0.00056%); highest among the groups gnomAD compares: Admixed American, 0.005%; no homozygotes.

Submission:

Labcorp Genetics (formerly Invitae), Labcorp
Classification: Uncertain significance. Last evaluated: 2022-07-01. Review status: criteria provided, single submitter. Criteria: Invitae Variant Classification Sherloc (09022015). Collection method: clinical testing. Allele origin: germline.
Comment: This sequence change replaces isoleucine, which is neutral and non-polar, with valine, which is neutral and non-polar, at codon 24 of the SLC6A19 protein (p.Ile24Val). In summary, the available evidence is currently insufficient to determine the role of this variant in disease. Therefore, it has been classified as a Variant of Uncertain Significance. Advanced modeling of protein sequence and biophysical properties (such as structural, functional, and spatial information, amino acid conservation, physicochemical variation, residue mobility, and thermodynamic stability) performed at Invitae indicates that this missense variant is not expected to disrupt SLC6A19 protein function. This variant has not been reported in the literature in individuals affected with SLC6A19-related conditions. This variant is present in population databases (rs769288666, gnomAD 0.009%).

NM_001003841.3(SLC6A19):c.70A>G (p.Ile24Val)

Gene: SLC6A19 (solute carrier family 6 member 19; plus strand). Cytogenetic location: 5p15.33.
Variant type: single nucleotide variant.
Coding change: c.70A>G on transcript NM_001003841.3 (MANE Select); coding-DNA position 70, A replaced by G.
Protein change: p.Ile24Val; replaces isoleucine 24 with valine.
Molecular consequence: missense variant.
Genome position (GRCh38, 1-based): chr5:1,201,720, A>G. VCF-style: chr5-1201720-A-G. GRCh37 (hg19) VCF-style: chr5-1201835-A-G.
Other names: short protein forms I24V.
Identifiers: ClinVar variation 2070044 (VCV002070044.4), dbSNP rs769288666, ClinGen allele CA3182551.